The following is an entry in ClinVar:

NM_002834.5(PTPN11):c.1517_1518delinsCC (p.Gln506Pro)

Gene: PTPN11 (protein tyrosine phosphatase non-receptor type 11; plus strand). Cytogenetic location: 12q24.13.
Variant type: Indel.
Coding change: c.1517_1518delinsCC on transcript NM_002834.5 (MANE Select); coding-DNA positions 1517 to 1518, AG replaced by CC.
Protein change: p.Gln506Pro; replaces glutamine 506 with proline.
Molecular consequence: missense variant.
Genome position (GRCh38, 1-based): chr12:112,489,093-112,489,094, AG replaced by CC. VCF-style: chr12-112489093-AG-CC. GRCh37 (hg19) VCF-style: chr12-112926897-AG-CC.
Other names: p.Q506P; c.1529_1530delinsCC, p.Gln510Pro (NM_001330437.2); c.1514_1515delinsCC, p.Gln505Pro (NM_001374625.1); short protein forms Q506P, Q510P, Q505P.
Identifiers: ClinVar variation 55799 (VCV000055799.3), dbSNP rs397509345, ClinGen allele CA284668.

ClinVar aggregate classification (germline): Pathogenic (1 of 4 stars; one submission).

Conditions:
RASopathy. Also called: rasopathies; Noonan spectrum disorder. Identifiers: Orphanet 536391, MedGen C5555857, MONDO:0021060.

Submission:

GeneDx
Classification: Pathogenic for Rasopathy. Last evaluated: 2007-01-01. Review status: criteria provided, single submitter. Criteria: GeneDx Variant Classification (06012015). Collection method: clinical testing. Allele origin: unknown.
Comment: The c.1518_1518delAGinsCC has not been previously reported in association with Noonan syndrome;however, a single point mutation producing the same missense change, Q506P, has been previously reported in association with LEOPARD syndrome (Conti et al., 2003). The mutation affects the phosphatase domain (PTP) of the protein. Phase of this delins was not confirmed.
ClinVar note: Converted during submission from MUT to Pathogenic.